The following is an entry in ClinVar:

ClinVar aggregate classification (germline): Uncertain significance. Review status: criteria provided, multiple submitters, no conflicts (2 of 4 stars). 2 submissions from 2 submitters: Uncertain significance (2). Last evaluated 2025-03-30.

gnomAD v4.1: 32 of 1,613,922 alleles (0.002%); highest among the groups gnomAD compares: Non-Finnish European, 0.0027%; no homozygotes.

Submissions (2):

Labcorp Genetics (formerly Invitae), Labcorp
Classification: Uncertain significance. Last evaluated: 2025-03-30. Review status: criteria provided, single submitter. Criteria: Invitae Variant Classification Sherloc (09022015). Collection method: clinical testing. Allele origin: germline.
Comment: This sequence change replaces phenylalanine, which is neutral and non-polar, with valine, which is neutral and non-polar, at codon 489 of the A2ML1 protein (p.Phe489Val). This variant is present in population databases (rs200052566, gnomAD 0.003%). This variant has not been reported in the literature in individuals affected with A2ML1-related conditions. ClinVar contains an entry for this variant (Variation ID: 3500504). An algorithm developed to predict the effect of missense changes on protein structure and function (PolyPhen-2) suggests that this variant is likely to be tolerated. In summary, the available evidence is currently insufficient to determine the role of this variant in disease. Therefore, it has been classified as a Variant of Uncertain Significance.

Ambry Genetics
Classification: Uncertain significance. Last evaluated: 2024-07-30. Review status: criteria provided, single submitter. Criteria: Ambry Variant Classification Scheme 2023. Collection method: clinical testing. Allele origin: germline.
Comment: The p.F489V variant (also known as c.1465T>G), located in coding exon 12 of the A2ML1 gene, results from a T to G substitution at nucleotide position 1465. The phenylalanine at codon 489 is replaced by valine, an amino acid with highly similar properties. This amino acid position is conserved. In addition, the in silico prediction for this alteration is inconclusive. Based on the available evidence, the clinical significance of this variant remains unclear.

NM_144670.6(A2ML1):c.1465T>G (p.Phe489Val)

Gene: A2ML1 (alpha-2-macroglobulin like 1; plus strand). Cytogenetic location: 12p13.31.
Variant type: single nucleotide variant.
Coding change: c.1465T>G on transcript NM_144670.6 (MANE Select); coding-DNA position 1465, T replaced by G.
Protein change: p.Phe489Val; replaces phenylalanine 489 with valine.
Molecular consequence: missense variant.
Genome position (GRCh38, 1-based): chr12:8,843,350, T>G. VCF-style: chr12-8843350-T-G. GRCh37 (hg19) VCF-style: chr12-8995946-T-G.
Other names: short protein forms F489V.
Identifiers: ClinVar variation 3500504 (VCV003500504.2).
Genomic context (GRCh38, chr12:8,843,350, plus strand): 5'-GAAGTGCTGGTGGATTATTACATCGACCCGGCCGATGCAAGCCCTGACCAAGAGATCAGC[T>G]TCTCCTACTATGTGAGACCGGGAAACGGGGACGGGTGAGAGTATGCTGGGAAGGAAAGAG-3'
Protein context (NP_653271.3, residues 479-499): ADASPDQEIS[Phe489Val]SYYLIGKGSL